The following is an entry in ClinVar:

NM_000045.4(ARG1):c.766G>T (p.Glu256Ter)

Genes: ARG1 (arginase 1; plus strand), MED23 (mediator complex subunit 23; minus strand). Cytogenetic location: 6q23.2.
Variant type: single nucleotide variant.
Coding change: c.766G>T on transcript NM_000045.4 (MANE Select); coding-DNA position 766, G replaced by T.
Protein change: p.Glu256Ter; replaces glutamic acid 256 with a stop codon.
Molecular consequence: nonsense. On other transcripts: intron variant (2), non-coding transcript variant (1).
Genome position (GRCh38, 1-based): chr6:131,583,455, G>T. VCF-style: chr6-131583455-G-T. GRCh37 (hg19) VCF-style: chr6-131904595-G-T.
Other names: c.4077+4254C>A (NM_001270521.2); c.4095+4254C>A (NM_015979.4); c.790G>T, p.Glu264Ter (NM_001244438.2); c.511G>T, p.Glu171Ter (NM_001369020.1); short protein forms E256*, E171*, E264*.
Identifiers: ClinVar variation 1453308 (VCV001453308.6), dbSNP rs2114549604, ClinGen allele CA365653162.

ClinVar aggregate classification (germline): Pathogenic (1 of 4 stars; one submission).

Conditions:
Arginase deficiency. Also called: ARGININEMIA; ARG1 DEFICIENCY; Arginase 1 Deficiency. Identifiers: Orphanet 90, MedGen C0268548, MONDO:0008814, OMIM 207800.

Submission:

Labcorp Genetics (formerly Invitae), Labcorp
Classification: Pathogenic for Arginase deficiency. Last evaluated: 2025-05-22. Review status: criteria provided, single submitter. Criteria: Invitae Variant Classification Sherloc (09022015). Collection method: clinical testing. Allele origin: germline.
Comment: This sequence change creates a premature translational stop signal (p.Glu256*) in the ARG1 gene. While this is not anticipated to result in nonsense mediated decay, it is expected to disrupt the last 67 amino acid(s) of the ARG1 protein. This variant is not present in population databases (gnomAD no frequency). This variant has not been reported in the literature in individuals affected with ARG1-related conditions. ClinVar contains an entry for this variant (Variation ID: 1453308). Algorithms developed to predict the effect of sequence changes on RNA splicing suggest that this variant may disrupt the consensus splice site. This variant disrupts a region of the ARG1 protein in which other variant(s) (p.Arg291*) have been determined to be pathogenic (PMID: 1598908, 19052914, 24103480; internal data). This suggests that this is a clinically significant region of the protein, and that variants that disrupt it are likely to be disease-causing. For these reasons, this variant has been classified as Pathogenic.

Literature cited by the submitters: PubMed 1598908; PubMed 19052914; PubMed 24103480.